The following is an entry in ClinVar:

ClinVar aggregate classification (germline): Uncertain significance (1 of 4 stars; one submission).

Conditions:
Malignant hyperthermia, susceptibility to, 1 (MHS1). Also called: Anesthesia related hyperthermia; Malignant hyperpyrexia; Fulminating hyperpyrexia; Pharmacogenic myopathy; RYR1-Related Malignant Hyperthermia Susceptibility; Malignant hyperthermia suceptibility 1. Identifiers: Orphanet 423, MedGen C2930980, MONDO:0007783, OMIM 145600.

gnomAD v4.1: 1 of 1,613,698 alleles (0.000062%); highest among the groups gnomAD compares: Non-Finnish European, 0.000085%; no homozygotes.

Submission:

All of Us Research Program, National Institutes of Health
Classification: Uncertain significance for Malignant hyperthermia, susceptibility to, 1. Last evaluated: 2023-05-16. Review status: criteria provided, single submitter. Criteria: ACMG Guidelines, 2015. Collection method: clinical testing. Allele origin: germline. Inheritance: Autosomal dominant inheritance. Observed: 1 variant allele, 1 heterozygote.
Comment: This missense variant replaces threonine with serine at codon 692 of the RYR1 protein. Computational prediction suggests that this variant may not impact protein structure and function (internally defined REVEL score threshold <= 0.5, PMID: 27666373). To our knowledge, functional studies have not been reported for this variant. This variant has not been reported in individuals affected with RYR1-related disorders in the literature. This variant has not been identified in the general population by the Genome Aggregation Database (gnomAD). The available evidence is insufficient to determine the role of this variant in disease conclusively. Therefore, this variant is classified as a Variant of Uncertain Significance.

This study involves interpretation of variants in research participants for the purpose of population health screening. Participant phenotype was not available at the time of variant classification. Additional details can be found in publication PMID: 35346344, PMCID: PMC8962531

NM_000540.3(RYR1):c.2074A>T (p.Thr692Ser)

Gene: RYR1 (ryanodine receptor 1; plus strand). Cytogenetic location: 19q13.2.
Variant type: single nucleotide variant.
Coding change: c.2074A>T on transcript NM_000540.3 (MANE Select); coding-DNA position 2074, A replaced by T.
Protein change: p.Thr692Ser; replaces threonine 692 with serine.
Molecular consequence: missense variant.
Genome position (GRCh38, 1-based): chr19:38,458,199, A>T. VCF-style: chr19-38458199-A-T. GRCh37 (hg19) VCF-style: chr19-38948839-A-T.
Other names: c.2074A>T, p.Thr692Ser (NM_001042723.2); short protein forms T692S.
Identifiers: ClinVar variation 3071073 (VCV003071073.1), dbSNP rs763679528, ClinGen allele CA405696962.